The following is an entry in ClinVar:

ClinVar aggregate classification (germline): Uncertain significance. Review status: criteria provided, multiple submitters, no conflicts (2 of 4 stars). 3 submissions from 3 submitters: Uncertain significance (3). Last evaluated 2026-02-01.

Conditions:
Charcot-Marie-Tooth disease axonal type 2U. Also called: CHARCOT-MARIE-TOOTH NEUROPATHY, TYPE 2U; CHARCOT-MARIE-TOOTH DISEASE, AXONAL, AUTOSOMAL DOMINANT, TYPE 2U. Identifiers: Orphanet 397735, MedGen C4084821, MONDO:0014566, OMIM 616280.
Severe early-onset pulmonary alveolar proteinosis due to MARS deficiency. Also called: PULMONARY ALVEOLAR PROTEINOSIS, REUNION ISLAND; Interstitial lung and liver disease. Identifiers: Orphanet 440427, MedGen C4225400, MONDO:0014206, OMIM 615486.

Allele frequency attached by ClinVar (database versions not stated): ExAC 0.00004; gnomAD exomes 0.00004 and 0.00008; gnomAD 0.00009; TOPMed 0.00001.

Submissions (3):

CeGaT Center for Human Genetics Tuebingen
Classification: Uncertain significance. Last evaluated: 2026-02-01. Review status: criteria provided, single submitter. Criteria: CeGaT Center For Human Genetics Tuebingen Variant Classification Criteria Version 2. Collection method: clinical testing. Allele origin: germline. Affected: yes. Observed: 1 variant allele.

Ambry Genetics
Classification: Uncertain significance. Last evaluated: 2025-09-09. Review status: criteria provided, single submitter. Criteria: Ambry Variant Classification Scheme 2023. Collection method: clinical testing. Allele origin: germline.

Labcorp Genetics (formerly Invitae), Labcorp
Classification: Uncertain significance for Charcot-Marie-Tooth disease axonal type 2U; Severe early-onset pulmonary alveolar proteinosis due to MARS deficiency. Last evaluated: 2025-04-17. Review status: criteria provided, single submitter. Criteria: Invitae Variant Classification Sherloc (09022015). Collection method: clinical testing. Allele origin: germline.
Comment: This sequence change replaces arginine, which is basic and polar, with histidine, which is basic and polar, at codon 394 of the MARS protein (p.Arg394His). This variant is present in population databases (rs769544594, gnomAD 0.08%). This variant has not been reported in the literature in individuals affected with MARS-related conditions. ClinVar contains an entry for this variant (Variation ID: 542177). An algorithm developed to predict the effect of missense changes on protein structure and function (PolyPhen-2) suggests that this variant is likely to be disruptive. In summary, the available evidence is currently insufficient to determine the role of this variant in disease. Therefore, it has been classified as a Variant of Uncertain Significance.

NM_004990.4(MARS1):c.1181G>A (p.Arg394His)

Gene: MARS1 (methionyl-tRNA synthetase 1; plus strand). Cytogenetic location: 12q13.3.
Variant type: single nucleotide variant.
Coding change: c.1181G>A on transcript NM_004990.4 (MANE Select); coding-DNA position 1181, G replaced by A.
Protein change: p.Arg394His; replaces arginine 394 with histidine.
Molecular consequence: missense variant.
Genome position (GRCh38, 1-based): chr12:57,500,410, G>A. VCF-style: chr12-57500410-G-A. GRCh37 (hg19) VCF-style: chr12-57894193-G-A.
Other names: short protein forms R394H.
Identifiers: ClinVar variation 542177 (VCV000542177.15), dbSNP rs769544594, ClinGen allele CA6650436.